The following is an entry in ClinVar:

NM_006073.4(TRDN):c.1469A>T (p.Lys490Ile)

Gene: TRDN (triadin; minus strand). Cytogenetic location: 6q22.31.
Variant type: single nucleotide variant.
Coding change: c.1469A>T on transcript NM_006073.4 (MANE Select); coding-DNA position 1469, A replaced by T.
Protein change: p.Lys490Ile; replaces lysine 490 with isoleucine.
Molecular consequence: missense variant.
Genome position (GRCh38, 1-based): chr6:123,331,881, T>A on the plus strand (A>T on the coding strand, the complement: TRDN is on the minus strand). VCF-style: chr6-123331881-T-A. GRCh37 (hg19) VCF-style: chr6-123653026-T-A.
Other names: short protein forms K490I.
Identifiers: ClinVar variation 4190190 (VCV004190190.1).

ClinVar aggregate classification (germline): Uncertain significance (1 of 4 stars; one submission).

Conditions:
Cardiovascular phenotype. Identifiers: MedGen CN230736.

Submission:

Ambry Genetics
Classification: Uncertain significance for Cardiovascular phenotype. Last evaluated: 2025-07-28. Review status: criteria provided, single submitter. Criteria: Ambry Variant Classification Scheme 2023. Collection method: clinical testing. Allele origin: germline.
Comment: The p.K490I variant (also known as c.1469A>T), located in coding exon 23 of the TRDN gene, results from an A to T substitution at nucleotide position 1469. The lysine at codon 490 is replaced by isoleucine, an amino acid with dissimilar properties. This amino acid position is conserved. In addition, this alteration is predicted to be tolerated by in silico analysis. Based on the available evidence, the clinical significance of this variant remains unclear.